The following is an entry in ClinVar:

ClinVar aggregate classification (germline): Uncertain significance (1 of 4 stars; one submission).

Submission:

Labcorp Genetics (formerly Invitae), Labcorp
Classification: Uncertain significance. Last evaluated: 2022-01-12. Review status: criteria provided, single submitter. Criteria: Invitae Variant Classification Sherloc (09022015). Collection method: clinical testing. Allele origin: germline.
Comment: In summary, the available evidence is currently insufficient to determine the role of this variant in disease. Therefore, it has been classified as a Variant of Uncertain Significance. Algorithms developed to predict the effect of missense changes on protein structure and function output the following: SIFT: "Not Available"; PolyPhen-2: "Benign"; Align-GVGD: "Not Available". The valine amino acid residue is found in multiple mammalian species, which suggests that this missense change does not adversely affect protein function. This variant has not been reported in the literature in individuals affected with POLR1A-related conditions. This variant is not present in population databases (gnomAD no frequency). This sequence change replaces isoleucine, which is neutral and non-polar, with valine, which is neutral and non-polar, at codon 568 of the POLR1A protein (p.Ile568Val).

NM_015425.6(POLR1A):c.1702A>G (p.Ile568Val)

Genes: POLR1A (RNA polymerase I subunit A; minus strand), LOC126806264 (MED14-independent group 3 enhancer GRCh37_chr2:86296595-86297794; plus strand). Cytogenetic location: 2p11.2.
Variant type: single nucleotide variant.
Coding change: c.1702A>G on transcript NM_015425.6 (MANE Select); coding-DNA position 1702, A replaced by G.
Protein change: p.Ile568Val; replaces isoleucine 568 with valine.
Molecular consequence: missense variant.
Genome position (GRCh38, 1-based): chr2:86,070,182, T>C on the plus strand (A>G on the coding strand, the complement: POLR1A is on the minus strand). VCF-style: chr2-86070182-T-C. GRCh37 (hg19) VCF-style: chr2-86297305-T-C.
Other names: short protein forms I568V.
Identifiers: ClinVar variation 2080993 (VCV002080993.4), dbSNP rs2466418834, ClinGen allele CA347548862.